The following is an entry in ClinVar:

NM_001605.3(AARS1):c.989G>A (p.Arg330Gln)

Gene: AARS1 (alanyl-tRNA synthetase 1; minus strand). Cytogenetic location: 16q22.1.
Variant type: single nucleotide variant.
Coding change: c.989G>A on transcript NM_001605.3 (MANE Select); coding-DNA position 989, G replaced by A.
Protein change: p.Arg330Gln; replaces arginine 330 with glutamine.
Molecular consequence: missense variant.
Genome position (GRCh38, 1-based): chr16:70,268,353, C>T on the plus strand (G>A on the coding strand, the complement: AARS1 is on the minus strand). VCF-style: chr16-70268353-C-T. GRCh37 (hg19) VCF-style: chr16-70302256-C-T.
Other names: short protein forms R330Q.
Identifiers: ClinVar variation 2671773 (VCV002671773.1), dbSNP rs747838597, ClinGen allele CA8140957.

ClinVar aggregate classification (germline): Uncertain significance (1 of 4 stars; one submission).

Conditions:
Developmental and epileptic encephalopathy, 29 (DEE29). Also called: Epileptic encephalopathy, early infantile, 29. Identifiers: Orphanet 442835, MedGen C4225361, MONDO:0014593, OMIM 616339.

Allele frequency attached by ClinVar (database versions not stated): gnomAD exomes below 0.00001; TOPMed below 0.00001; ExAC 0.00001; gnomAD 0.00001.

Submission:

Neuberg Centre For Genomic Medicine, NCGM
Classification: Uncertain significance for Developmental and epileptic encephalopathy, 29. Last evaluated: 2023-02-14. Review status: criteria provided, single submitter. Criteria: ACMG Guidelines, 2015. Collection method: clinical testing. Allele origin: germline. Inheritance: Autosomal recessive inheritance. Affected: yes.
Comment: The missense c.989G>A (p.Arg330Gln) variant in AARS1 gene has not been reported previously as a pathogenic variant nor as a benign variant, to our knowledge. The p.Arg330Gln variant has allele frequency 0.0004% in gnomAD Exomes and is novel (not in any individuals) in 1000 Genomes. This variant has not been reported to the ClinVar database. The amino acid change p.Arg330Gln in AARS1 is predicted as conserved by GERP++ and PhyloP across 100 vertebrates. The amino acid Arg at position 330 is changed to a Gln changing protein sequence and it might alter its composition and physico-chemical properties. For these reasons, this variant has been classified as Variant of Uncertain Significance (VUS).